The following is an entry in ClinVar:

NM_032977.4(CASP10):c.620C>T (p.Ser207Leu)

Gene: CASP10 (caspase 10; plus strand). Cytogenetic location: 2q33.1.
Variant type: single nucleotide variant.
Coding change: c.620C>T on transcript NM_032977.4 (MANE Select); coding-DNA position 620, C replaced by T.
Protein change: p.Ser207Leu; replaces serine 207 with leucine.
Molecular consequence: missense variant.
Genome position (GRCh38, 1-based): chr2:201,195,884, C>T. VCF-style: chr2-201195884-C-T. GRCh37 (hg19) VCF-style: chr2-202060607-C-T.
Other names: c.620C>T, p.Ser207Leu (NM_001206524.2, NM_001206542.2, NM_001230.5 and 3 more transcripts); short protein forms S207L.
Identifiers: ClinVar variation 653604 (VCV000653604.18), dbSNP rs770997816, ClinGen allele CA2052935.

ClinVar aggregate classification (germline): Uncertain significance. Review status: criteria provided, multiple submitters, no conflicts (2 of 4 stars). 3 submissions from 3 submitters: Uncertain significance (3). Last evaluated 2026-05-21.

Conditions:
CASP10-related disorder. Also called: CASP10-related condition.
Autoimmune lymphoproliferative syndrome type 2A (ALPS2A). Also called: Autoimmune lymphoproliferative syndrome type 2; CASP10-Related Autoimmune Lymphoproliferative Syndrome; AUTOIMMUNE LYMPHOPROLIFERATIVE SYNDROME, TYPE IIA. Identifiers: Orphanet 3261, MedGen C1858968, MONDO:0011383, OMIM 603909.

Allele frequency attached by ClinVar (database versions not stated): ExAC 0.00002; gnomAD exomes 0.00002; TOPMed 0.00004; gnomAD 0.00005 and 0.00006.
gnomAD v4.1: 26 of 1,613,756 alleles (0.0016%); highest among the groups gnomAD compares: East Asian, 0.018%; no homozygotes.

Submissions (3):

PreventionGenetics, part of Exact Sciences
Classification: Uncertain significance for CASP10-related condition. Last evaluated: 2026-05-21. Review status: criteria provided, single submitter. Criteria: ACMG Guidelines, 2015. Collection method: clinical testing. Allele origin: germline.
Comment: The CASP10 c.620C>T variant is predicted to result in the amino acid substitution p.Ser207Leu. To our knowledge, this variant has not been reported in the literature. This variant is reported in 0.0080% of alleles in individuals of African descent in gnomAD. At this time, the clinical significance of this variant is uncertain due to the absence of conclusive functional and genetic evidence.

Labcorp Genetics (formerly Invitae), Labcorp
Classification: Uncertain significance for Autoimmune lymphoproliferative syndrome type 2A. Last evaluated: 2022-06-22. Review status: criteria provided, single submitter. Criteria: Invitae Variant Classification Sherloc (09022015). Collection method: clinical testing. Allele origin: germline.
Comment: This sequence change replaces serine, which is neutral and polar, with leucine, which is neutral and non-polar, at codon 207 of the CASP10 protein (p.Ser207Leu). This variant is present in population databases (rs770997816, gnomAD 0.008%). This variant has not been reported in the literature in individuals affected with CASP10-related conditions. ClinVar contains an entry for this variant (Variation ID: 653604). Algorithms developed to predict the effect of missense changes on protein structure and function (SIFT, PolyPhen-2, Align-GVGD) all suggest that this variant is likely to be tolerated. In summary, the available evidence is currently insufficient to determine the role of this variant in disease. Therefore, it has been classified as a Variant of Uncertain Significance.

Illumina Laboratory Services, Illumina
Classification: Uncertain significance for Autoimmune lymphoproliferative syndrome type 2A. Last evaluated: 2018-01-12. Review status: criteria provided, single submitter. Criteria: ICSL Variant Classification Criteria 13 December 2019. Collection method: clinical testing. Allele origin: germline.